The following is an entry in ClinVar:

ClinVar aggregate classification (germline): Uncertain significance (1 of 4 stars; one submission).

Conditions:
Hypertrophic cardiomyopathy 14. Identifiers: MedGen C2750467, MONDO:0013197, OMIM 613251.

Submission:

Labcorp Genetics (formerly Invitae), Labcorp
Classification: Uncertain significance for Hypertrophic cardiomyopathy 14. Last evaluated: 2022-01-11. Review status: criteria provided, single submitter. Criteria: Invitae Variant Classification Sherloc (09022015). Collection method: clinical testing. Allele origin: germline.
Comment: This variant has not been reported in the literature in individuals affected with MYH6-related conditions. This variant is not present in population databases (gnomAD no frequency). This sequence change replaces glutamic acid, which is acidic and polar, with lysine, which is basic and polar, at codon 850 of the MYH6 protein (p.Glu850Lys). Algorithms developed to predict the effect of missense changes on protein structure and function are either unavailable or do not agree on the potential impact of this missense change (SIFT: "Tolerated"; PolyPhen-2: "Probably Damaging"; Align-GVGD: "Class C0"). In summary, the available evidence is currently insufficient to determine the role of this variant in disease. Therefore, it has been classified as a Variant of Uncertain Significance.

NM_002471.4(MYH6):c.2548G>A (p.Glu850Lys)

Gene: MYH6 (myosin heavy chain 6; minus strand). Cytogenetic location: 14q11.2.
Variant type: single nucleotide variant.
Coding change: c.2548G>A on transcript NM_002471.4 (MANE Select); coding-DNA position 2548, G replaced by A.
Protein change: p.Glu850Lys; replaces glutamic acid 850 with lysine.
Molecular consequence: missense variant.
Genome position (GRCh38, 1-based): chr14:23,394,205, C>T on the plus strand (G>A on the coding strand, the complement: MYH6 is on the minus strand). VCF-style: chr14-23394205-C-T. GRCh37 (hg19) VCF-style: chr14-23863414-C-T.
Other names: short protein forms E850K.
Identifiers: ClinVar variation 2078434 (VCV002078434.4), dbSNP rs2502172124, ClinGen allele CA389014377.